The following is an entry in ClinVar:

ClinVar aggregate classification (germline): Uncertain significance (1 of 4 stars; one submission).

Allele frequency attached by ClinVar (database versions not stated): gnomAD exomes below 0.00001.
gnomAD v4.1: 1 of 1,611,706 alleles (0.000062%); highest among the groups gnomAD compares: Non-Finnish European, 0.000085%; no homozygotes.

Submission:

Labcorp Genetics (formerly Invitae), Labcorp
Classification: Uncertain significance. Last evaluated: 2025-11-17. Review status: criteria provided, single submitter. Criteria: Invitae Variant Classification Sherloc (09022015). Collection method: clinical testing. Allele origin: germline.
Comment: This sequence change replaces isoleucine, which is neutral and non-polar, with valine, which is neutral and non-polar, at codon 152 of the TTLL5 protein (p.Ile152Val). This variant is present in population databases (no rsID available, gnomAD 0.0009%). This variant has not been reported in the literature in individuals affected with TTLL5-related conditions. ClinVar contains an entry for this variant (Variation ID: 1001165). Invitae Evidence Modeling of protein sequence and biophysical properties (such as structural, functional, and spatial information, amino acid conservation, physicochemical variation, residue mobility, and thermodynamic stability) indicates that this missense variant is not expected to disrupt TTLL5 protein function with a negative predictive value of 80%. In summary, the available evidence is currently insufficient to determine the role of this variant in disease. Therefore, it has been classified as a Variant of Uncertain Significance.

NM_015072.5(TTLL5):c.454A>G (p.Ile152Val)

Gene: TTLL5 (tubulin tyrosine ligase like 5; plus strand). Cytogenetic location: 14q24.3.
Variant type: single nucleotide variant.
Coding change: c.454A>G on transcript NM_015072.5 (MANE Select); coding-DNA position 454, A replaced by G.
Protein change: p.Ile152Val; replaces isoleucine 152 with valine.
Molecular consequence: missense variant.
Genome position (GRCh38, 1-based): chr14:75,690,274, A>G. VCF-style: chr14-75690274-A-G. GRCh37 (hg19) VCF-style: chr14-76156617-A-G.
Other names: short protein forms I152V.
Identifiers: ClinVar variation 1001165 (VCV001001165.8), dbSNP rs1315241372, ClinGen allele CA390453721.
Genomic context (GRCh38, chr14:75,690,274, plus strand): 5'-GACCGACTGTACAAAAACATTATTCGAATGCAGCATACACATGGATTCAAGGCTTTTCAC[A>G]TCCTCCCCCAGACCTTCCTCCTGCCAGCTGAGTACGCGGAATTTTGTAGTAAGTGCTTGA-3'
Protein context (NP_055887.3, residues 142-162): QHTHGFKAFH[Ile152Val]LPQTFLLPAE